The following is an entry in ClinVar:

ClinVar aggregate classification (germline): Uncertain significance. Review status: criteria provided, multiple submitters, no conflicts (2 of 4 stars). 2 submissions from 2 submitters: Uncertain significance (2). Last evaluated 2025-05-26.

Conditions:
Primary ciliary dyskinesia. Also called: Ciliary dyskinesia. Identifiers: Orphanet 244, MedGen C0008780, MONDO:0016575, HP:0012265.

Allele frequency attached by ClinVar (database versions not stated): TOPMed below 0.00001.

Submissions (2):

Ambry Genetics
Classification: Uncertain significance. Last evaluated: 2025-05-26. Review status: criteria provided, single submitter. Criteria: Ambry Variant Classification Scheme 2023. Collection method: clinical testing. Allele origin: germline.

Labcorp Genetics (formerly Invitae), Labcorp
Classification: Uncertain significance for Primary ciliary dyskinesia. Last evaluated: 2022-06-11. Review status: criteria provided, single submitter. Criteria: Invitae Variant Classification Sherloc (09022015). Collection method: clinical testing. Allele origin: germline.
Comment: In summary, the available evidence is currently insufficient to determine the role of this variant in disease. Therefore, it has been classified as a Variant of Uncertain Significance. Algorithms developed to predict the effect of missense changes on protein structure and function are either unavailable or do not agree on the potential impact of this missense change (SIFT: "Deleterious"; PolyPhen-2: "Not Available"; Align-GVGD: "Class C0"). This variant has not been reported in the literature in individuals affected with DNAH8-related conditions. This variant is not present in population databases (gnomAD no frequency). This sequence change replaces tyrosine, which is neutral and polar, with phenylalanine, which is neutral and non-polar, at codon 999 of the DNAH8 protein (p.Tyr999Phe).

NM_001206927.2(DNAH8):c.2996A>T (p.Tyr999Phe)

Gene: DNAH8 (dynein axonemal heavy chain 8; plus strand). Cytogenetic location: 6p21.2.
Variant type: single nucleotide variant.
Coding change: c.2996A>T on transcript NM_001206927.2 (MANE Select); coding-DNA position 2996, A replaced by T.
Protein change: p.Tyr999Phe; replaces tyrosine 999 with phenylalanine.
Molecular consequence: missense variant.
Genome position (GRCh38, 1-based): chr6:38,803,273, A>T. VCF-style: chr6-38803273-A-T. GRCh37 (hg19) VCF-style: chr6-38771049-A-T.
Other names: c.2345A>T, p.Tyr782Phe (NM_001371.4); c.2996A>T (NM_001206927.1); short protein forms Y782F, Y999F.
Identifiers: ClinVar variation 2083059 (VCV002083059.3), dbSNP rs944837198, ClinGen allele CA137589600.